The following is an entry in ClinVar:

ClinVar aggregate classification (germline): Pathogenic (1 of 4 stars; one submission).

Conditions:
Marfan syndrome (MFS). Also called: MARFAN SYNDROME, TYPE I; Marfan syndrome type 1; Marfan's syndrome; Marfan syndrome, classic; FBN1-Related Marfan Syndrome. Identifiers: Orphanet 284963, Orphanet 558, MedGen C0024796, MONDO:0007947, OMIM 154700.
Familial thoracic aortic aneurysm and aortic dissection (TAAD). Also called: Thoracic aortic aneurysms and dissections. Identifiers: Orphanet 91387, MedGen C4707243, MONDO:0019625.

Submission:

Labcorp Genetics (formerly Invitae), Labcorp
Classification: Pathogenic for Marfan syndrome; Familial thoracic aortic aneurysm and aortic dissection. Last evaluated: 2023-09-17. Review status: criteria provided, single submitter. Criteria: Invitae Variant Classification Sherloc (09022015). Collection method: clinical testing. Allele origin: unknown.
Comment: This variant is a gross deletion of the genomic region encompassing exon(s) 17-62 of the FBN1 gene. This variant would be expected to be in-frame, preserving the integrity of the reading frame. This variant has not been reported in the literature in individuals affected with FBN1-related conditions. This variant disrupts a region of the FBN1 protein in which other variant(s) (p.Phe2556Val) have been determined to be pathogenic (Invitae). This suggests that this is a clinically significant region of the protein, and that variants that disrupt it are likely to be disease-causing. For these reasons, this variant has been classified as Pathogenic.

NC_000015.9:g.(?_48713735)_(48796156_?)del

Gene: FBN1 (fibrillin 1; minus strand). Cytogenetic location: 15q21.1.
Variant type: Deletion.
Identifiers: ClinVar variation 3243719 (VCV003243719.1).